The following is an entry in ClinVar:

ClinVar aggregate classification (germline): Uncertain significance. Review status: criteria provided, multiple submitters, no conflicts (2 of 4 stars). 2 submissions from 2 submitters: Uncertain significance (2). Last evaluated 2025-10-26.

Conditions:
Hereditary cancer-predisposing syndrome. Also called: Tumor predisposition; Hereditary Cancer Syndrome; Hereditary neoplastic syndrome; Neoplastic Syndromes, Hereditary. Identifiers: Orphanet 140162, MedGen C0027672, MeSH D009386, MONDO:0015356.
EGFR-related lung cancer (EGFR). Identifiers: MedGen CN130014.

Submissions (2):

Ambry Genetics
Classification: Uncertain significance for Hereditary cancer-predisposing syndrome. Last evaluated: 2025-10-26. Review status: criteria provided, single submitter. Criteria: Ambry Variant Classification Scheme 2023. Collection method: clinical testing. Allele origin: germline.
Comment: The p.I886V variant (also known as c.2656A>G), located in coding exon 22 of the EGFR gene, results from an A to G substitution at nucleotide position 2656. The isoleucine at codon 886 is replaced by valine, an amino acid with highly similar properties. This amino acid position is conserved. In addition, the in silico prediction for this alteration is inconclusive. Based on the available evidence, the clinical significance of this variant remains unclear.

Labcorp Genetics (formerly Invitae), Labcorp
Classification: Uncertain significance for EGFR-related lung cancer. Last evaluated: 2024-05-19. Review status: criteria provided, single submitter. Criteria: Invitae Variant Classification Sherloc (09022015). Collection method: clinical testing. Allele origin: germline.
Comment: This sequence change replaces isoleucine, which is neutral and non-polar, with valine, which is neutral and non-polar, at codon 886 of the EGFR protein (p.Ile886Val). This variant is not present in population databases (gnomAD no frequency). This variant has not been reported in the literature in individuals affected with EGFR-related conditions. Advanced modeling of protein sequence and biophysical properties (such as structural, functional, and spatial information, amino acid conservation, physicochemical variation, residue mobility, and thermodynamic stability) has been performed at Invitae for this missense variant, however the output from this modeling did not meet the statistical confidence thresholds required to predict the impact of this variant on EGFR protein function. In summary, the available evidence is currently insufficient to determine the role of this variant in disease. Therefore, it has been classified as a Variant of Uncertain Significance.

NM_005228.5(EGFR):c.2656A>G (p.Ile886Val)

Gene: EGFR (epidermal growth factor receptor; plus strand). Cytogenetic location: 7p11.2.
Variant type: single nucleotide variant.
Coding change: c.2656A>G on transcript NM_005228.5 (MANE Select); coding-DNA position 2656, A replaced by G.
Protein change: p.Ile886Val; replaces isoleucine 886 with valine.
Molecular consequence: missense variant.
Genome position (GRCh38, 1-based): chr7:55,192,796, A>G. VCF-style: chr7-55192796-A-G. GRCh37 (hg19) VCF-style: chr7-55260489-A-G.
Other names: c.2521A>G, p.Ile841Val (NM_001346897.2, NM_001346899.2); c.2656A>G, p.Ile886Val (NM_001346898.2); c.2497A>G, p.Ile833Val (NM_001346900.2); c.1855A>G, p.Ile619Val (NM_001346941.2); short protein forms I833V, I886V, I619V, I841V.
Identifiers: ClinVar variation 3717284 (VCV003717284.3).